The following is an entry in ClinVar:

ClinVar aggregate classification (germline): Uncertain significance (1 of 4 stars; one submission).

Submission:

Labcorp Genetics (formerly Invitae), Labcorp
Classification: Uncertain significance. Last evaluated: 2024-03-14. Review status: criteria provided, single submitter. Criteria: Invitae Variant Classification Sherloc (09022015). Collection method: clinical testing. Allele origin: germline.
Comment: This sequence change replaces phenylalanine, which is neutral and non-polar, with leucine, which is neutral and non-polar, at codon 479 of the POLE protein (p.Phe479Leu). This variant is not present in population databases (gnomAD no frequency). This variant has not been reported in the literature in individuals affected with POLE-related conditions. Advanced modeling of protein sequence and biophysical properties (such as structural, functional, and spatial information, amino acid conservation, physicochemical variation, residue mobility, and thermodynamic stability) performed at Invitae indicates that this missense variant is not expected to disrupt POLE protein function with a negative predictive value of 80%. In summary, the available evidence is currently insufficient to determine the role of this variant in disease. Therefore, it has been classified as a Variant of Uncertain Significance.

NM_006231.4(POLE):c.1437T>A (p.Phe479Leu)

Gene: POLE (DNA polymerase epsilon, catalytic subunit; minus strand). Cytogenetic location: 12q24.33.
Variant type: single nucleotide variant.
Coding change: c.1437T>A on transcript NM_006231.4 (MANE Select); coding-DNA position 1437, T replaced by A.
Protein change: p.Phe479Leu; replaces phenylalanine 479 with leucine.
Molecular consequence: missense variant.
Genome position (GRCh38, 1-based): chr12:132,673,200, A>T on the plus strand (T>A on the coding strand, the complement: POLE is on the minus strand). VCF-style: chr12-132673200-A-T. GRCh37 (hg19) VCF-style: chr12-133249786-A-T.
Other names: short protein forms F479L.
Identifiers: ClinVar variation 3645921 (VCV003645921.2).